The following is an entry in ClinVar:

NM_004168.4(SDHA):c.56C>G (p.Ala19Gly)

Gene: SDHA (succinate dehydrogenase complex flavoprotein subunit A; plus strand). Cytogenetic location: 5p15.33.
Variant type: single nucleotide variant.
Coding change: c.56C>G on transcript NM_004168.4 (MANE Select); coding-DNA position 56, C replaced by G.
Protein change: p.Ala19Gly; replaces alanine 19 with glycine.
Molecular consequence: missense variant.
Genome position (GRCh38, 1-based): chr5:218,411, C>G. VCF-style: chr5-218411-C-G. GRCh37 (hg19) VCF-style: chr5-218526-C-G.
Other names: c.56C>G (NM_004168.2); c.56C>G, p.Ala19Gly (NM_001294332.2, NM_001330758.2); short protein forms A19G.
Identifiers: ClinVar variation 1485111 (VCV001485111.10), dbSNP rs2126522773, ClinGen allele CA359007442.

ClinVar aggregate classification (germline): Conflicting classifications of pathogenicity. Review status: criteria provided, conflicting classifications (1 of 4 stars). 2 submissions from 2 submitters: Uncertain significance (1); Likely benign (1). Last evaluated 2026-02-06.

Conditions:
Mitochondrial complex II deficiency, nuclear type 1. Also called: SUCCINATE CoQ REDUCTASE DEFICIENCY. Identifiers: Orphanet 3208, MedGen C5700310, MONDO:0100294, OMIM 252011.
Pheochromocytoma/paraganglioma syndrome 5. Also called: Paragangliomas 5; SDHA-Related Hereditary Paraganglioma-Pheochromocytoma Syndrome. Identifiers: Orphanet 29072, MedGen C3279992, MONDO:0013602, OMIM 614165.
Hereditary cancer-predisposing syndrome. Also called: Neoplastic Syndromes, Hereditary; Hereditary Cancer Syndrome; Hereditary neoplastic syndrome; Tumor predisposition. Identifiers: Orphanet 140162, MedGen C0027672, MeSH D009386, MONDO:0015356.

Submissions (2):

Ambry Genetics
Classification: Likely benign for Hereditary cancer-predisposing syndrome. Last evaluated: 2026-02-06. Review status: criteria provided, single submitter. Criteria: Ambry Variant Classification Scheme 2023. Collection method: clinical testing. Allele origin: germline.

Labcorp Genetics (formerly Invitae), Labcorp
Classification: Uncertain significance for Pheochromocytoma/paraganglioma syndrome 5; Mitochondrial complex II deficiency, nuclear type 1. Last evaluated: 2025-08-11. Review status: criteria provided, single submitter. Criteria: Invitae Variant Classification Sherloc (09022015). Collection method: clinical testing. Allele origin: germline.
Comment: This sequence change replaces alanine, which is neutral and non-polar, with glycine, which is neutral and non-polar, at codon 19 of the SDHA protein (p.Ala19Gly). This variant is not present in population databases (gnomAD no frequency). This variant has not been reported in the literature in individuals affected with SDHA-related conditions. ClinVar contains an entry for this variant (Variation ID: 1485111). Invitae Evidence Modeling of protein sequence and biophysical properties (such as structural, functional, and spatial information, amino acid conservation, physicochemical variation, residue mobility, and thermodynamic stability) indicates that this missense variant is not expected to disrupt SDHA protein function with a negative predictive value of 95%. In summary, the available evidence is currently insufficient to determine the role of this variant in disease. Therefore, it has been classified as a Variant of Uncertain Significance.